The following is an entry in ClinVar:

ClinVar aggregate classification (germline): Uncertain significance (1 of 4 stars; one submission).

Conditions:
Epilepsy, familial adult myoclonic, 5 (EPEO5). Also called: CORTICAL MYOCLONIC TREMOR WITH EPILEPSY, FAMILIAL, 5. Identifiers: Orphanet 86814, MedGen C3809374, MONDO:0014167, OMIM 615400.

gnomAD v4.1: 1 of 1,613,892 alleles (0.000062%); highest among the groups gnomAD compares: Non-Finnish European, 0.000085%; no homozygotes.

Submission:

Labcorp Genetics (formerly Invitae), Labcorp
Classification: Uncertain significance for Epilepsy, familial adult myoclonic, 5. Last evaluated: 2021-06-24. Review status: criteria provided, single submitter. Criteria: Invitae Variant Classification Sherloc (09022015). Collection method: clinical testing. Allele origin: germline.
Comment: In summary, the available evidence is currently insufficient to determine the role of this variant in disease. Therefore, it has been classified as a Variant of Uncertain Significance. Advanced modeling of protein sequence and biophysical properties (such as structural, functional, and spatial information, amino acid conservation, physicochemical variation, residue mobility, and thermodynamic stability) performed at Invitae indicates that this missense variant is not expected to disrupt CNTN2 protein function. This variant has not been reported in the literature in individuals with CNTN2-related conditions. This variant is not present in population databases (ExAC no frequency). This sequence change replaces alanine with glycine at codon 508 of the CNTN2 protein (p.Ala508Gly). The alanine residue is highly conserved and there is a small physicochemical difference between alanine and glycine.

NM_005076.5(CNTN2):c.1523C>G (p.Ala508Gly)

Gene: CNTN2 (contactin 2; plus strand). Cytogenetic location: 1q32.1.
Variant type: single nucleotide variant.
Coding change: c.1523C>G on transcript NM_005076.5 (MANE Select); coding-DNA position 1523, C replaced by G.
Protein change: p.Ala508Gly; replaces alanine 508 with glycine.
Molecular consequence: missense variant. On other transcripts: non-coding transcript variant (1).
Genome position (GRCh38, 1-based): chr1:205,065,090, C>G. VCF-style: chr1-205065090-C-G. GRCh37 (hg19) VCF-style: chr1-205034218-C-G.
Other names: c.1523C>G, p.Ala508Gly (NM_001346083.2); short protein forms A508G.
Identifiers: ClinVar variation 1363705 (VCV001363705.8), dbSNP rs2151194777, ClinGen allele CA344375285.
Genomic context (GRCh38, chr1:205,065,090, plus strand): 5'-CCCGGCCTGGGCCCATTTCCTCCCCCATCCACCCAAGGGCCTTGTTTTTCTTGGCAGATG[C>G]AACCAAAATCACTCTAGCCCCCTCAAGTGCCGACATCAACTTGGGTGACAACCTGACCCT-3'
Protein context (NP_005067.1, residues 498-518): NSTGILSVRD[Ala508Gly]TKITLAPSSA